The following is an entry in ClinVar:

ClinVar aggregate classification (germline): Uncertain significance (1 of 4 stars; one submission).

Conditions:
Autoimmune lymphoproliferative syndrome, type III caused by mutation in PRKCD. Identifiers: Orphanet 3261, Orphanet 664711, MedGen C3809928, MONDO:8000024, OMIM 615559.

Allele frequency attached by ClinVar (database versions not stated): gnomAD exomes below 0.00001.
gnomAD v4.1: 1 of 1,614,170 alleles (0.000062%); highest among the groups gnomAD compares: Non-Finnish European, 0.000085%; no homozygotes.

Submission:

Labcorp Genetics (formerly Invitae), Labcorp
Classification: Uncertain significance for Autoimmune lymphoproliferative syndrome, type III caused by mutation in PRKCD. Last evaluated: 2020-08-18. Review status: criteria provided, single submitter. Criteria: Invitae Variant Classification Sherloc (09022015). Collection method: clinical testing. Allele origin: germline.
Comment: In summary, the available evidence is currently insufficient to determine the role of this variant in disease. Therefore, it has been classified as a Variant of Uncertain Significance. Algorithms developed to predict the effect of missense changes on protein structure and function are either unavailable or do not agree on the potential impact of this missense change (SIFT: "Deleterious"; PolyPhen-2: "Benign"; Align-GVGD: "Class C0"). This variant has not been reported in the literature in individuals with PRKCD-related conditions. This variant is not present in population databases (ExAC no frequency). This sequence change replaces proline with alanine at codon 601 of the PRKCD protein (p.Pro601Ala). The proline residue is highly conserved and there is a small physicochemical difference between proline and alanine.

NM_006254.4(PRKCD):c.1801C>G (p.Pro601Ala)

Gene: PRKCD (protein kinase C delta; plus strand). Cytogenetic location: 3p21.1.
Variant type: single nucleotide variant.
Coding change: c.1801C>G on transcript NM_006254.4 (MANE Select); coding-DNA position 1801, C replaced by G.
Protein change: p.Pro601Ala; replaces proline 601 with alanine.
Molecular consequence: missense variant.
Genome position (GRCh38, 1-based): chr3:53,189,930, C>G. VCF-style: chr3-53189930-C-G. GRCh37 (hg19) VCF-style: chr3-53223946-C-G.
Other names: c.1801C>G, p.Pro601Ala (NM_001316327.2, NM_001354679.2, NM_001354680.2 and 1 more transcripts); c.1858C>G, p.Pro620Ala (NM_001354676.2); c.1849C>G, p.Pro617Ala (NM_001354678.2); short protein forms P601A, P617A, P620A.
Identifiers: ClinVar variation 1003064 (VCV001003064.5), dbSNP rs1703861977, ClinGen allele CA353224361.
Genomic context (GRCh38, chr3:53,189,930, plus strand): 5'-CAGCTCTTTGAAAGGGAACCAACCAAGAGGCTGGGAGTGACCGGAAACATCAAAATCCAC[C>G]CCTTCTTCAAGACCATAAACTGGACTCTGCTGGAAAAGCGGAGGTTGGAGCCACCTTTCA-3'
Protein context (NP_006245.2, residues 591-611): LGVTGNIKIH[Pro601Ala]FFKTINWTLL